The following is an entry in ClinVar:

NM_003620.4(PPM1D):c.69C>A (p.Asp23Glu)

Gene: PPM1D (protein phosphatase, Mg2+/Mn2+ dependent 1D; plus strand). Cytogenetic location: 17q23.2.
Variant type: single nucleotide variant.
Coding change: c.69C>A on transcript NM_003620.4 (MANE Select); coding-DNA position 69, C replaced by A.
Protein change: p.Asp23Glu; replaces aspartic acid 23 with glutamic acid.
Molecular consequence: missense variant.
Genome position (GRCh38, 1-based): chr17:60,600,483, C>A. VCF-style: chr17-60600483-C-A. GRCh37 (hg19) VCF-style: chr17-58677844-C-A.
Other names: short protein forms D23E.
Identifiers: ClinVar variation 4704289 (VCV004704289.1).

ClinVar aggregate classification (germline): Uncertain significance (1 of 4 stars; one submission).

Submission:

Labcorp Genetics (formerly Invitae), Labcorp
Classification: Uncertain significance. Last evaluated: 2025-07-27. Review status: criteria provided, single submitter. Criteria: Invitae Variant Classification Sherloc (09022015). Collection method: clinical testing. Allele origin: germline.
Comment: This sequence change replaces aspartic acid, which is acidic and polar, with glutamic acid, which is acidic and polar, at codon 23 of the PPM1D protein (p.Asp23Glu). This variant is not present in population databases (gnomAD no frequency). This variant has not been reported in the literature in individuals affected with PPM1D-related conditions. An algorithm developed to predict the effect of missense changes on protein structure and function (PolyPhen-2) suggests that this variant is likely to be disruptive. In summary, the available evidence is currently insufficient to determine the role of this variant in disease. Therefore, it has been classified as a Variant of Uncertain Significance.